The following is an entry in ClinVar:

NM_001130438.3(SPTAN1):c.4804G>A (p.Ala1602Thr)

Gene: SPTAN1 (spectrin alpha, non-erythrocytic 1; plus strand). Cytogenetic location: 9q34.11.
Variant type: single nucleotide variant.
Coding change: c.4804G>A on transcript NM_001130438.3 (MANE Select); coding-DNA position 4804, G replaced by A.
Protein change: p.Ala1602Thr; replaces alanine 1602 with threonine.
Molecular consequence: missense variant.
Genome position (GRCh38, 1-based): chr9:128,611,744, G>A. VCF-style: chr9-128611744-G-A. GRCh37 (hg19) VCF-style: chr9-131374023-G-A.
Other names: c.4729G>A, p.Ala1577Thr (NM_001195532.2); c.4804G>A, p.Ala1602Thr (NM_001363759.2, NM_001375310.1, NM_001375311.2 and 1 more transcripts); c.4744G>A, p.Ala1582Thr (NM_001363765.2, NM_001375314.2); c.4840G>A, p.Ala1614Thr (NM_001375312.2, NM_001375318.1); c.4789G>A, p.Ala1597Thr (NM_003127.4); short protein forms A1577T, A1582T, A1597T, A1602T, A1614T.
Identifiers: ClinVar variation 1693306 (VCV001693306.3), dbSNP rs776999454, ClinGen allele CA5265306.
Genomic context (GRCh38, chr9:128,611,744, plus strand): 5'-GTTTGGAAAAAATTTTTTTGGTATTTTTAGAGCAAGCACCAGAAGCACCAGGCTTTTGAA[G>A]CAGAGCTGCATGCCAACGCTGACCGGATCCGTGGGGTTATCGACATGGGCAACTCCCTCA-3'
Protein context (NP_001123910.1, residues 1592-1612): SKHQKHQAFE[Ala1602Thr]ELHANADRIR

ClinVar aggregate classification (germline): Uncertain significance (1 of 4 stars; one submission).

Conditions:
Developmental and epileptic encephalopathy, 5 (DEE5). Identifiers: Orphanet 3451, MedGen C3150731, MONDO:0013277, OMIM 613477.

Allele frequency attached by ClinVar (database versions not stated): gnomAD exomes below 0.00001; ExAC 0.00001.

Submission:

Illumina Laboratory Services, Illumina
Classification: Uncertain significance for Developmental and epileptic encephalopathy, 5. Last evaluated: 2022-02-17. Review status: criteria provided, single submitter. Criteria: ICSLVariantClassificationCriteria RUGD 01 April 2020. Collection method: clinical testing. Allele origin: unknown.
Comment: The SPTAN1 c.4804G>A (p.Ala1602Thr) missense variant results in the substitution of alanine at position 1602 with threonine. To our knowledge, this variant has not been reported in the peer-reviewed literature. This variant is reported in the Genome Aggregation Database in one allele at a frequency of 0.000009 in the European (non-Finnish) population (version 2.1.1). Based on the available evidence, the c.4804G>A (p.Ala1602Thr) variant is classified as a variant of uncertain significance for SPTAN1-related developmental and epileptic encephalopathy.